The following is an entry in ClinVar:

ClinVar aggregate classification (germline): Uncertain significance (1 of 4 stars; one submission).

Allele frequency attached by ClinVar (database versions not stated): gnomAD exomes below 0.00001.
gnomAD v4.1: 4 of 1,610,916 alleles (0.00025%); highest among the groups gnomAD compares: Admixed American, 0.0033%; no homozygotes.

Submission:

Labcorp Genetics (formerly Invitae), Labcorp
Classification: Uncertain significance. Last evaluated: 2023-06-14. Review status: criteria provided, single submitter. Criteria: Invitae Variant Classification Sherloc (09022015). Collection method: clinical testing. Allele origin: germline.
Comment: Advanced modeling of protein sequence and biophysical properties (such as structural, functional, and spatial information, amino acid conservation, physicochemical variation, residue mobility, and thermodynamic stability) performed at Invitae indicates that this missense variant is not expected to disrupt INTU protein function. In summary, the available evidence is currently insufficient to determine the role of this variant in disease. Therefore, it has been classified as a Variant of Uncertain Significance. This variant has not been reported in the literature in individuals affected with INTU-related conditions. This variant is not present in population databases (gnomAD no frequency). This sequence change replaces threonine, which is neutral and polar, with lysine, which is basic and polar, at codon 513 of the INTU protein (p.Thr513Lys).

NM_015693.4(INTU):c.1538C>A (p.Thr513Lys)

Gene: INTU (inturned planar cell polarity protein; plus strand). Cytogenetic location: 4q28.1.
Variant type: single nucleotide variant.
Coding change: c.1538C>A on transcript NM_015693.4 (MANE Select); coding-DNA position 1538, C replaced by A.
Protein change: p.Thr513Lys; replaces threonine 513 with lysine.
Molecular consequence: missense variant.
Genome position (GRCh38, 1-based): chr4:127,704,262, C>A. VCF-style: chr4-127704262-C-A. GRCh37 (hg19) VCF-style: chr4-128625417-C-A.
Other names: short protein forms T513K.
Identifiers: ClinVar variation 2894693 (VCV002894693.3), dbSNP rs1730777307, ClinGen allele CA358134882.
Genomic context (GRCh38, chr4:127,704,262, plus strand): 5'-AAATCCACTATGAATTTTTCCCCCAGTCCGAGGATTACTATGACATGAGGCGGCTGTATA[C>A]AATTTTGGGGTCTTCTCTATTTTACAAGGTAAGTTGAAGCTTGAAGTCTAAATGTCCAGC-3'
Protein context (NP_056508.2, residues 503-523): EDYYDMRRLY[Thr513Lys]ILGSSLFYKG